The following is an entry in ClinVar:

NM_001378452.1(ITPR1):c.5467G>A (p.Ala1823Thr)

Gene: ITPR1 (inositol 1,4,5-trisphosphate receptor type 1; plus strand). Cytogenetic location: 3p26.1.
Variant type: single nucleotide variant.
Coding change: c.5467G>A on transcript NM_001378452.1 (MANE Select); coding-DNA position 5467, G replaced by A.
Protein change: p.Ala1823Thr; replaces alanine 1823 with threonine.
Molecular consequence: missense variant.
Genome position (GRCh38, 1-based): chr3:4,735,277, G>A. VCF-style: chr3-4735277-G-A. GRCh37 (hg19) VCF-style: chr3-4776961-G-A.
Other names: c.5323G>A, p.Ala1775Thr (NM_001099952.4); c.5422G>A, p.Ala1808Thr (NM_001168272.2); c.5278G>A, p.Ala1760Thr (NM_002222.7); short protein forms A1760T, A1823T, A1775T, A1808T.
Identifiers: ClinVar variation 2910161 (VCV002910161.3), dbSNP rs748904417, ClinGen allele CA2232343.

ClinVar aggregate classification (germline): Uncertain significance (1 of 4 stars; one submission).

Allele frequency attached by ClinVar (database versions not stated): gnomAD exomes below 0.00001; ExAC 0.00001; gnomAD 0.00001; TOPMed 0.00002.

Submission:

Labcorp Genetics (formerly Invitae), Labcorp
Classification: Uncertain significance. Last evaluated: 2024-08-29. Review status: criteria provided, single submitter. Criteria: Invitae Variant Classification Sherloc (09022015). Collection method: clinical testing. Allele origin: germline.
Comment: This sequence change replaces alanine, which is neutral and non-polar, with threonine, which is neutral and polar, at codon 1760 of the ITPR1 protein (p.Ala1760Thr). This variant is present in population databases (rs748904417, gnomAD 0.0009%). This variant has not been reported in the literature in individuals affected with ITPR1-related conditions. Invitae Evidence Modeling of protein sequence and biophysical properties (such as structural, functional, and spatial information, amino acid conservation, physicochemical variation, residue mobility, and thermodynamic stability) indicates that this missense variant is not expected to disrupt ITPR1 protein function with a negative predictive value of 95%. In summary, the available evidence is currently insufficient to determine the role of this variant in disease. Therefore, it has been classified as a Variant of Uncertain Significance.